The following is an entry in ClinVar:

ClinVar aggregate classification (germline): Uncertain significance (1 of 4 stars; one submission).

Conditions:
Autosomal dominant childhood-onset proximal spinal muscular atrophy with contractures (SMALED2A). Also called: Spinal muscular atrophy, lower extremity-predominant, 2A, autosomal dominant; SPINAL MUSCULAR ATROPHY, LOWER EXTREMITY-PREDOMINANT, 2A, CHILDHOOD ONSET, AUTOSOMAL DOMINANT. Identifiers: Orphanet 363447, Orphanet 363454, MedGen C4747715, MONDO:0014121, OMIM 615290.

Submission:

Baylor Genetics
Classification: Uncertain significance for Autosomal dominant childhood-onset proximal spinal muscular atrophy with contractures. Last evaluated: 2018-04-11. Review status: criteria provided, single submitter. Criteria: ACMG Guidelines, 2015. Collection method: clinical testing. Allele origin: de novo. Affected: yes.
Comment: This variant was determined to be of uncertain significance according to ACMG Guidelines, 2015 [PMID:25741868].

NM_001003800.2(BICD2):c.1006C>T (p.Leu336=)

Gene: BICD2 (BICD cargo adaptor 2; minus strand). Cytogenetic location: 9q22.31.
Variant type: single nucleotide variant.
Coding change: c.1006C>T on transcript NM_001003800.2 (MANE Select); coding-DNA position 1006, C replaced by T.
Protein change: p.Leu336=; no amino-acid change (leucine 336 retained).
Molecular consequence: synonymous variant.
Genome position (GRCh38, 1-based): chr9:92,720,356, G>A on the plus strand (C>T on the coding strand, the complement: BICD2 is on the minus strand). VCF-style: chr9-92720356-G-A. GRCh37 (hg19) VCF-style: chr9-95482638-G-A.
Other names: c.1006C>T, p.Leu336= (NM_015250.4).
Identifiers: ClinVar variation 1031692 (VCV001031692.1), dbSNP rs1853434245, ClinGen allele CA466343332.